The following is an entry in ClinVar:

ClinVar aggregate classification (germline): Conflicting classifications of pathogenicity. Review status: criteria provided, conflicting classifications (1 of 4 stars). 2 submissions from 2 submitters: Uncertain significance (1); Likely benign (1). Last evaluated 2025-05-19.

Conditions:
Hereditary cancer-predisposing syndrome. Also called: Tumor predisposition; Neoplastic Syndromes, Hereditary; Hereditary neoplastic syndrome; Hereditary Cancer Syndrome. Identifiers: Orphanet 140162, MedGen C0027672, MeSH D009386, MONDO:0015356.
EGFR-related lung cancer (EGFR). Identifiers: MedGen CN130014.

Allele frequency attached by ClinVar (database versions not stated): gnomAD 0.00001; TOPMed 0.00001.
gnomAD v4.1: 14 of 1,613,980 alleles (0.00087%); highest among the groups gnomAD compares: Non-Finnish European, 0.0012%; no homozygotes.

Submissions (2):

Ambry Genetics
Classification: Likely benign for Hereditary cancer-predisposing syndrome. Last evaluated: 2025-05-19. Review status: criteria provided, single submitter. Criteria: Ambry Variant Classification Scheme 2023. Collection method: clinical testing. Allele origin: germline.

Labcorp Genetics (formerly Invitae), Labcorp
Classification: Uncertain significance for EGFR-related lung cancer. Last evaluated: 2025-04-27. Review status: criteria provided, single submitter. Criteria: Invitae Variant Classification Sherloc (09022015). Collection method: clinical testing. Allele origin: germline.
Comment: This sequence change replaces isoleucine, which is neutral and non-polar, with valine, which is neutral and non-polar, at codon 1018 of the EGFR protein (p.Ile1018Val). This variant is not present in population databases (gnomAD no frequency). This variant has not been reported in the literature in individuals affected with EGFR-related conditions. ClinVar contains an entry for this variant (Variation ID: 1019778). Invitae Evidence Modeling of protein sequence and biophysical properties (such as structural, functional, and spatial information, amino acid conservation, physicochemical variation, residue mobility, and thermodynamic stability) indicates that this missense variant is not expected to disrupt EGFR protein function with a negative predictive value of 80%. In summary, the available evidence is currently insufficient to determine the role of this variant in disease. Therefore, it has been classified as a Variant of Uncertain Significance.

NM_005228.5(EGFR):c.3052A>G (p.Ile1018Val)

Gene: EGFR (epidermal growth factor receptor; plus strand). Cytogenetic location: 7p11.2.
Variant type: single nucleotide variant.
Coding change: c.3052A>G on transcript NM_005228.5 (MANE Select); coding-DNA position 3052, A replaced by G.
Protein change: p.Ile1018Val; replaces isoleucine 1018 with valine.
Molecular consequence: missense variant.
Genome position (GRCh38, 1-based): chr7:55,201,293, A>G. VCF-style: chr7-55201293-A-G. GRCh37 (hg19) VCF-style: chr7-55268986-A-G.
Other names: c.2917A>G, p.Ile973Val (NM_001346897.2, NM_001346899.2); c.3052A>G, p.Ile1018Val (NM_001346898.2); c.2893A>G, p.Ile965Val (NM_001346900.2); c.2251A>G, p.Ile751Val (NM_001346941.2); c.3052A>G (NM_005228.3); short protein forms I1018V, I751V, I965V, I973V.
Identifiers: ClinVar variation 1019778 (VCV001019778.7), dbSNP rs1362774341, ClinGen allele CA367582568.